The following is an entry in ClinVar:

ClinVar aggregate classification (germline): Uncertain significance (1 of 4 stars; one submission).

Conditions:
Epilepsy, familial focal, with variable foci 3 (FFEVF3). Identifiers: MedGen C4310708, MONDO:0014925, OMIM 617118.

Submission:

Labcorp Genetics (formerly Invitae), Labcorp
Classification: Uncertain significance for Epilepsy, familial focal, with variable foci 3. Last evaluated: 2024-01-22. Review status: criteria provided, single submitter. Criteria: Invitae Variant Classification Sherloc (09022015). Collection method: clinical testing. Allele origin: germline.
Comment: This sequence change replaces leucine, which is neutral and non-polar, with isoleucine, which is neutral and non-polar, at codon 510 of the NPRL3 protein (p.Leu510Ile). This variant is not present in population databases (gnomAD no frequency). This variant has not been reported in the literature in individuals affected with NPRL3-related conditions. ClinVar contains an entry for this variant (Variation ID: 1407261). Advanced modeling of protein sequence and biophysical properties (such as structural, functional, and spatial information, amino acid conservation, physicochemical variation, residue mobility, and thermodynamic stability) performed at Invitae indicates that this missense variant is not expected to disrupt NPRL3 protein function with a negative predictive value of 80%. In summary, the available evidence is currently insufficient to determine the role of this variant in disease. Therefore, it has been classified as a Variant of Uncertain Significance.

NM_001077350.3(NPRL3):c.1528C>A (p.Leu510Ile)

Genes: HBA-LCR (alpha-globin locus control region; plus strand), NPRL3 (NPR3 like, GATOR1 complex subunit; minus strand). Cytogenetic location: 16p13.3.
Variant type: single nucleotide variant.
Coding change: c.1528C>A on transcript NM_001077350.3 (MANE Select); coding-DNA position 1528, C replaced by A.
Protein change: p.Leu510Ile; replaces leucine 510 with isoleucine.
Molecular consequence: missense variant.
Genome position (GRCh38, 1-based): chr16:88,714, G>T on the plus strand (C>A on the coding strand, the complement: NPRL3 is on the minus strand). VCF-style: chr16-88714-G-T. GRCh37 (hg19) VCF-style: chr16-138713-G-T.
Other names: c.991C>A, p.Leu331Ile (NM_001039476.3); c.1294C>A, p.Leu432Ile (NM_001243247.2); c.1453C>A, p.Leu485Ile (NM_001243248.2, NM_001243249.2); short protein forms L485I, L432I, L510I, L331I.
Identifiers: ClinVar variation 1407261 (VCV001407261.6), dbSNP rs2141899710, ClinGen allele CA394048159.